The following is an entry in ClinVar:

NM_000093.5(COL5A1):c.88G>T (p.Ala30Ser)

Gene: COL5A1 (collagen type V alpha 1 chain; plus strand). Cytogenetic location: 9q34.3.
Variant type: single nucleotide variant.
Coding change: c.88G>T on transcript NM_000093.5 (MANE Select); coding-DNA position 88, G replaced by T.
Protein change: p.Ala30Ser; replaces alanine 30 with serine.
Molecular consequence: missense variant.
Genome position (GRCh38, 1-based): chr9:134,642,275, G>T. VCF-style: chr9-134642275-G-T. GRCh37 (hg19) VCF-style: chr9-137534121-G-T.
Other names: c.88G>T, p.Ala30Ser (NM_001278074.1); short protein forms A30S.
Identifiers: ClinVar variation 4843309 (VCV004843309.1).

ClinVar aggregate classification (germline): Uncertain significance (1 of 4 stars; one submission).

Conditions:
Familial thoracic aortic aneurysm and aortic dissection (TAAD). Also called: Thoracic aortic aneurysms and dissections. Identifiers: Orphanet 91387, MedGen C4707243, MONDO:0019625.

gnomAD v4.1: 4 of 1,189,870 alleles (0.00034%); highest among the groups gnomAD compares: African/African-American, 0.0064%; no homozygotes.

Submission:

Ambry Genetics
Classification: Uncertain significance for Familial thoracic aortic aneurysm and aortic dissection. Last evaluated: 2026-02-13. Review status: criteria provided, single submitter. Criteria: Ambry Variant Classification Scheme 2023. Collection method: clinical testing. Allele origin: germline.
Comment: The p.A30S variant (also known as c.88G>T), located in coding exon 1 of the COL5A1 gene, results from a G to T substitution at nucleotide position 88. The alanine at codon 30 is replaced by serine, an amino acid with similar properties. This amino acid position is conserved. In addition, this alteration is predicted to be tolerated by in silico analysis. Based on the available evidence, the clinical significance of this variant remains unclear.